The following is an entry in ClinVar:

NM_000384.3(APOB):c.12203C>T (p.Thr4068Ile)

Gene: APOB (apolipoprotein B; minus strand). Cytogenetic location: 2p24.1.
Variant type: single nucleotide variant.
Coding change: c.12203C>T on transcript NM_000384.3 (MANE Select); coding-DNA position 12203, C replaced by T.
Protein change: p.Thr4068Ile; replaces threonine 4068 with isoleucine.
Molecular consequence: missense variant.
Genome position (GRCh38, 1-based): chr2:21,003,219, G>A on the plus strand (C>T on the coding strand, the complement: APOB is on the minus strand). VCF-style: chr2-21003219-G-A. GRCh37 (hg19) VCF-style: chr2-21226091-G-A.
Other names: short protein forms T4068I.
Identifiers: ClinVar variation 3933306 (VCV003933306.2).

ClinVar aggregate classification (germline): Uncertain significance. Review status: criteria provided, multiple submitters, no conflicts (2 of 4 stars). 2 submissions from 2 submitters: Uncertain significance (2). Last evaluated 2026-01-11.

Conditions:
Familial hypobetalipoproteinemia 1. Also called: APOB-Related Familial Hypobetalipoproteinemia; Hypobetalipoproteinemia, normotriglyceridemic; Acanthocytosis with hypobetalipoproteinemia. Identifiers: MedGen C4551990, MONDO:0014252, OMIM 615558.
Hypercholesterolemia, autosomal dominant, type B (FHCL2). Also called: APOB-Related Familial Hypercholesterolemia, Autosomal Dominant; Familial Hypercholesterolemia Type B; APOLIPOPROTEIN B-100, FAMILIAL DEFECTIVE; APOLIPOPROTEIN B-100, FAMILIAL LIGAND-DEFECTIVE; HYPERCHOLESTEROLEMIA, FAMILIAL, DUE TO LIGAND-DEFECTIVE APOLIPOPROTEIN B; Familial hypercholesterolemia 2. Identifiers: MedGen C1704417, MONDO:0007751, OMIM 144010.
Cardiovascular phenotype. Identifiers: MedGen CN230736.

gnomAD v4.1: 9 of 1,613,896 alleles (0.00056%); highest among the groups gnomAD compares: Non-Finnish European, 0.00076%; no homozygotes.

Submissions (2):

Labcorp Genetics (formerly Invitae), Labcorp
Classification: Uncertain significance for Familial hypobetalipoproteinemia 1; Hypercholesterolemia, autosomal dominant, type B. Last evaluated: 2026-01-11. Review status: criteria provided, single submitter. Criteria: Invitae Variant Classification Sherloc (09022015). Collection method: clinical testing. Allele origin: germline.
Comment: This sequence change replaces threonine, which is neutral and polar, with isoleucine, which is neutral and non-polar, at codon 4068 of the APOB protein (p.Thr4068Ile). This variant is present in population databases (no rsID available, gnomAD 0.0009%). This variant has not been reported in the literature in individuals affected with APOB-related conditions. ClinVar contains an entry for this variant (Variation ID: 3933306). Invitae Evidence Modeling of protein sequence and biophysical properties (such as structural, functional, and spatial information, amino acid conservation, physicochemical variation, residue mobility, and thermodynamic stability) indicates that this missense variant is not expected to disrupt APOB protein function with a negative predictive value of 95%. In summary, the available evidence is currently insufficient to determine the role of this variant in disease. Therefore, it has been classified as a Variant of Uncertain Significance.

Ambry Genetics
Classification: Uncertain significance for Cardiovascular phenotype. Last evaluated: 2025-05-30. Review status: criteria provided, single submitter. Criteria: Ambry Variant Classification Scheme 2023. Collection method: clinical testing. Allele origin: germline.
Comment: The p.T4068I variant (also known as c.12203C>T), located in coding exon 29 of the APOB gene, results from a C to T substitution at nucleotide position 12203. The threonine at codon 4068 is replaced by isoleucine, an amino acid with similar properties. This amino acid position is conserved. In addition, this alteration is predicted to be tolerated by in silico analysis. Based on the available evidence, the clinical significance of this variant remains unclear.